The following is an entry in ClinVar:

ClinVar aggregate classification (germline): Conflicting classifications of pathogenicity. Review status: criteria provided, conflicting classifications (1 of 4 stars). 2 submissions from 2 submitters: Uncertain significance (1); Likely benign (1). Last evaluated 2023-06-04.

Conditions:
Hereditary cancer-predisposing syndrome. Also called: Tumor predisposition; Hereditary Cancer Syndrome; Hereditary neoplastic syndrome; Neoplastic Syndromes, Hereditary. Identifiers: Orphanet 140162, MedGen C0027672, MeSH D009386, MONDO:0015356.
Ataxia-telangiectasia syndrome (AT). Also called: Ataxia telangiectasia (A-T); LOUIS-BAR SYNDROME; Cerebello-oculocutaneous telangiectasia; Immunodeficiency with ataxia telangiectasia; ATAXIA-TELANGIECTASIA, COMPLEMENTATION GROUP A; ATAXIA-TELANGIECTASIA, FRESNO VARIANT. Identifiers: Orphanet 100, MedGen C0004135, MONDO:0008840, OMIM 208900.

Allele frequency attached by ClinVar (database versions not stated): gnomAD exomes below 0.00001; ExAC 0.00001.
gnomAD v4.1: 1 of 1,613,794 alleles (0.000062%); highest among the groups gnomAD compares: Admixed American, 0.0017%; no homozygotes.

Submissions (2):

Labcorp Genetics (formerly Invitae), Labcorp
Classification: Uncertain significance for Ataxia-telangiectasia syndrome. Last evaluated: 2023-06-04. Review status: criteria provided, single submitter. Criteria: Invitae Variant Classification Sherloc (09022015). Collection method: clinical testing. Allele origin: germline.
Comment: This variant has not been reported in the literature in individuals affected with ATM-related conditions. This variant is present in population databases (rs756979112, gnomAD 0.003%). This sequence change affects codon 1901 of the ATM mRNA. It is a 'silent' change, meaning that it does not change the encoded amino acid sequence of the ATM protein. ClinVar contains an entry for this variant (Variation ID: 233372). In summary, the available evidence is currently insufficient to determine the role of this variant in disease. Therefore, it has been classified as a Variant of Uncertain Significance. Algorithms developed to predict the effect of sequence changes on RNA splicing suggest that this variant may disrupt the consensus splice site.

Ambry Genetics
Classification: Likely benign for Hereditary cancer-predisposing syndrome. Last evaluated: 2015-08-14. Review status: criteria provided, single submitter. Criteria: Ambry Variant Classification Scheme 2023. Collection method: clinical testing. Allele origin: germline.

NM_000051.4(ATM):c.5703G>A (p.Leu1901=)

Gene: ATM (ATM serine/threonine kinase; plus strand). Cytogenetic location: 11q22.3.
Variant type: single nucleotide variant.
Coding change: c.5703G>A on transcript NM_000051.4 (MANE Select); coding-DNA position 5703, G replaced by A.
Protein change: p.Leu1901=; no amino-acid change (leucine 1901 retained).
Molecular consequence: synonymous variant.
Genome position (GRCh38, 1-based): chr11:108,307,925, G>A. VCF-style: chr11-108307925-G-A. GRCh37 (hg19) VCF-style: chr11-108178652-G-A.
Other names: c.5703G>A, p.Leu1901= (NM_001351834.2).
Identifiers: ClinVar variation 233372 (VCV000233372.8), dbSNP rs756979112, ClinGen allele CA6265760.